The following is an entry in ClinVar:

ClinVar aggregate classification (germline): Pathogenic/Likely pathogenic. Review status: criteria provided, multiple submitters, no conflicts (2 of 4 stars). 2 submissions from 2 submitters: Pathogenic (1); Likely pathogenic (1). Last evaluated 2025-11-04.

Conditions:
Aneurysm-osteoarthritis syndrome. Also called: ANEURYSMS-OSTEOARTHRITIS SYNDROME; LOEYS-DIETZ SYNDROME WITH OSTEOARTHRITIS; SMAD3-Related Loeys-Dietz Syndrome; Loeys-Dietz syndrome, type 1C. Identifiers: Orphanet 284984, MedGen C3151087, MONDO:0013426, OMIM 613795.
Familial thoracic aortic aneurysm and aortic dissection (TAAD). Also called: Thoracic aortic aneurysms and dissections. Identifiers: Orphanet 91387, MedGen C4707243, MONDO:0019625.

Submissions (2):

Variantyx, Inc.
Classification: Likely pathogenic for Aneurysm-osteoarthritis syndrome. Last evaluated: 2025-11-04. Review status: criteria provided, single submitter. Criteria: Variantyx Assertion Criteria 2022. Collection method: clinical testing. Allele origin: germline. Inheritance: Autosomal dominant inheritance. Affected: yes.
Comment: This is a frameshift variant in the SMAD3 gene (OMIM: 603109). Pathogenic variants in this gene have been associated with autosomal dominant Loeys-Dietz syndrome 3. This variant introduces a premature termination codon in exon 2 out of 9 d is expected to result in loss of function, which is a known disease mechanism for SMAD3 in this disorder (PMID: 22167769) (PVS1). This variant is absent from control populations (PM2). Based on the current evidence, this variant is classified as likely pathogenic for autosomal dominant Loeys-Dietz syndrome 3.

Labcorp Genetics (formerly Invitae), Labcorp
Classification: Pathogenic for Familial thoracic aortic aneurysm and aortic dissection. Last evaluated: 2025-03-10. Review status: criteria provided, single submitter. Criteria: Invitae Variant Classification Sherloc (09022015). Collection method: clinical testing. Allele origin: germline.
Comment: This sequence change creates a premature translational stop signal (p.Lys81Argfs*35) in the SMAD3 gene. It is expected to result in an absent or disrupted protein product. Loss-of-function variants in SMAD3 are known to be pathogenic (PMID: 21778426, 24804794). This variant is not present in population databases (gnomAD no frequency). This variant has not been reported in the literature in individuals affected with SMAD3-related conditions. For these reasons, this variant has been classified as Pathogenic.

Literature cited by the submitters: PubMed 22167769 (cited by Variantyx, Inc.); PubMed 21778426 (cited by Labcorp Genetics (formerly Invitae), Labcorp); PubMed 24804794 (cited by Labcorp Genetics (formerly Invitae), Labcorp).

NM_005902.4(SMAD3):c.242del (p.Lys81fs)

Gene: SMAD3 (SMAD family member 3; plus strand). Cytogenetic location: 15q22.33.
Variant type: Deletion.
Coding change: c.242del on transcript NM_005902.4 (MANE Select); coding-DNA position 242, one base deleted (A; older notation c.242delA).
Protein change: p.Lys81fs; shifts the reading frame from lysine 81.
Molecular consequence: frameshift variant. On other transcripts: 5 prime UTR variant (3).
Genome position (GRCh38, 1-based): chr15:67,164,930, A deleted; the last of 2 consecutive A bases (chr15:67,164,929-67,164,930); deleting either gives the same sequence. VCF-style (leftmost placement, unchanged base first): chr15-67164928-GA-G. GRCh37 (hg19) VCF-style: chr15-67457266-GA-G.
Other names: c.-74del (NM_001145102.2, NM_001407015.1, NM_001407016.1); c.110del, p.Lys37fs (NM_001145103.2); c.242del, p.Lys81fs (NM_001407011.1, NM_001407012.1, NM_001407013.1); c.95del, p.Lys32fs (NM_001407014.1); short protein forms K32fs, K37fs, K81fs.
Identifiers: ClinVar variation 4714754 (VCV004714754.2).